The following is an entry in ClinVar:

ClinVar aggregate classification (germline): Likely benign. Review status: criteria provided, multiple submitters, no conflicts (2 of 4 stars). 4 submissions from 4 submitters: Likely benign (4). Last evaluated 2026-01-28.

Conditions:
Nemaline myopathy 10 (NEM10). Identifiers: MedGen C4015360, MONDO:0014513, OMIM 616165.

Allele frequency attached by ClinVar (database versions not stated): ExAC 0.00042; gnomAD exomes 0.00044 and 0.00089; TOPMed 0.00059; gnomAD 0.00062 and 0.00066; ESP Exome Variant Server 0.00100.
gnomAD v4.1: 1,373 of 1,613,394 alleles (0.085%); highest among the groups gnomAD compares: Non-Finnish European, 0.11%; 2 homozygotes.

Submissions (4):

Labcorp Genetics (formerly Invitae), Labcorp
Classification: Likely benign for Nemaline myopathy 10. Last evaluated: 2026-01-28. Review status: criteria provided, single submitter. Criteria: Invitae Variant Classification Sherloc (09022015). Collection method: clinical testing. Allele origin: germline.

CeGaT Center for Human Genetics Tuebingen
Classification: Likely benign. Last evaluated: 2024-08-01. Review status: criteria provided, single submitter. Criteria: CeGaT Center For Human Genetics Tuebingen Variant Classification Criteria Version 2. Collection method: clinical testing. Allele origin: germline. Affected: yes. Observed: 1 variant allele.
Comment: LMOD3: BP4, BP7

GeneDx
Classification: Likely benign. Last evaluated: 2021-05-04. Review status: criteria provided, single submitter. Criteria: GeneDx Variant Classification Process June 2021. Collection method: clinical testing. Allele origin: germline. Affected: yes.

Breakthrough Genomics
Classification: Likely benign. Review status: criteria provided, single submitter. Criteria: ACMG Guidelines, 2015. Collection method: not provided. Allele origin: germline. Inheritance: Autosomal recessive inheritance. Affected: yes.

NM_198271.5(LMOD3):c.129C>T (p.Ala43=)

Genes: LMOD3 (leiomodin 3; minus strand), LOC126806710 (CDK7 strongly-dependent group 2 enhancer GRCh37_chr3:69170601-69171800; plus strand). Cytogenetic location: 3p14.1.
Variant type: single nucleotide variant.
Coding change: c.129C>T on transcript NM_198271.5 (MANE Select); coding-DNA position 129, C replaced by T.
Protein change: p.Ala43=; no amino-acid change (alanine 43 retained).
Molecular consequence: synonymous variant.
Genome position (GRCh38, 1-based): chr3:69,122,258, G>A on the plus strand (C>T on the coding strand, the complement: LMOD3 is on the minus strand). VCF-style: chr3-69122258-G-A. GRCh37 (hg19) VCF-style: chr3-69171409-G-A.
Other names: c.129C>T, p.Ala43= (NM_001304418.3).
Identifiers: ClinVar variation 475301 (VCV000475301.30), dbSNP rs201709177, ClinGen allele CA2489071.